The following is an entry in ClinVar:

NM_015488.5(PNKD):c.1108C>T (p.Gln370Ter)

Genes: CATIP-AS2 (CATIP antisense RNA 2; minus strand), PNKD (PNKD metallo-beta-lactamase domain containing; plus strand). Cytogenetic location: 2q35.
Variant type: single nucleotide variant.
Coding change: c.1108C>T on transcript NM_015488.5 (MANE Select); coding-DNA position 1108, C replaced by T.
Protein change: p.Gln370Ter; replaces glutamine 370 with a stop codon.
Molecular consequence: nonsense.
Genome position (GRCh38, 1-based): chr2:218,344,931, C>T. VCF-style: chr2-218344931-C-T. GRCh37 (hg19) VCF-style: chr2-219209654-C-T.
Other names: c.1036C>T, p.Gln346Ter (NM_022572.5); short protein forms Q346*, Q370*.
Identifiers: ClinVar variation 1878571 (VCV001878571.1), dbSNP rs996443088, ClinGen allele CA65762080.
Genomic context (GRCh38, chr2:218,344,931, plus strand): 5'-CTACAGGAGGCTCTGGGGCCGGGGCCGGGCCCCACTGGGGATGATGACTACTCCCGGGCC[C>T]AGCTCCTGGAAGAGCTCCGCCGGCTGAAGGATATGCACAAGAGCAAGTGATGCCCCCAGC-3'

ClinVar aggregate classification (germline): Uncertain significance (1 of 4 stars; one submission).

Conditions:
Paroxysmal nonkinesigenic dyskinesia 1 (PNKD1). Also called: Nonkinesigenic choreoathetosis; Familial paroxysmal choreoathetosis; PxMD-PNKD; DYSTONIA 8; MOUNT-REBACK SYNDROME; Familial Paroxysmal Nonkinesigenic Dyskinesia. Identifiers: Orphanet 98810, MedGen C4551506, MONDO:0700089, OMIM 118800, MONDO:0007326.

Allele frequency attached by ClinVar (database versions not stated): gnomAD exomes 0.00001.
gnomAD v4.1: 8 of 1,614,038 alleles (0.0005%); highest among the groups gnomAD compares: South Asian, 0.0011%; no homozygotes.

Submission:

Neuberg Centre For Genomic Medicine, NCGM
Classification: Uncertain significance for Paroxysmal nonkinesigenic dyskinesia 1. Review status: criteria provided, single submitter. Criteria: ACMG Guidelines, 2015. Collection method: clinical testing. Allele origin: germline. Affected: yes.
Comment: The stop gained variant c.1108C>T(p.Gln370Ter) has not been reported previously as a pathogenic variant nor as a benign variant, to our knowledge. The p.Gln370Ter variant is novel (not in any individuals) in 1000 Genomes and has a frequency of 0.0004% in gnomAD Exomes database. Loss of function variants have been previously reported to be disease causing. However since this variant is present in the last exon, functional studies will be required to prove protein truncation. Hence the variant is classified as Uncertain Significance.